The following is an entry in ClinVar:

ClinVar aggregate classification (germline): Uncertain significance (1 of 4 stars; one submission).

Conditions:
Tuberous sclerosis syndrome (TSC). Also called: Tuberous Sclerosis Complex; Tuberous sclerosis. Identifiers: Orphanet 805, MedGen C0041341, MONDO:0001734.

gnomAD v4.1: 2 of 1,191,768 alleles (0.00017%); highest among the groups gnomAD compares: Non-Finnish European, 0.00024%; no homozygotes.

Submission:

Color Diagnostics, LLC DBA Color Health
Classification: Uncertain significance for Tuberous sclerosis syndrome. Last evaluated: 2025-08-28. Review status: criteria provided, single submitter. Criteria: ACMG Guidelines, 2015. Collection method: clinical testing. Allele origin: germline.
Comment: This variant causes a G to C nucleotide substitution at the +129 position of intron 11 of the TSC2 gene. To our knowledge, RNA studies have not been reported for this variant. This variant has not been reported in individuals affected with TSC2-related disorders in the literature. This variant has not been identified in the general population by the Genome Aggregation Database (gnomAD). The available evidence is insufficient to determine the role of this variant in disease conclusively. Therefore, this variant is classified as a Variant of Uncertain Significance.

NM_000548.5(TSC2):c.1119+129G>C

Gene: TSC2 (TSC complex subunit 2; plus strand). Cytogenetic location: 16p13.3.
Variant type: single nucleotide variant.
Coding change: c.1119+129G>C on transcript NM_000548.5 (MANE Select); 129 bases into the intron after coding-DNA position 1119, G replaced by C.
Molecular consequence: intron variant.
Genome position (GRCh38, 1-based): chr16:2,060,942, G>C. VCF-style: chr16-2060942-G-C. GRCh37 (hg19) VCF-style: chr16-2110943-G-C.
Other names: c.519+129G>C (NM_001406687.1, NM_001406682.1, NM_001406684.1 and 6 more transcripts); c.-312-11G>C (NM_001406689.1, NM_001406690.1, NM_001406692.1 and 4 more transcripts); c.-488-11G>C (NM_001406698.1); c.1119+129G>C (NM_001114382.3, NM_001406663.1, NM_001406664.1 and 6 more transcripts); c.-194+129G>C (NM_001406694.1, NM_001406695.1); c.1107+129G>C (NM_001406671.1, NM_001406673.1); c.657+129G>C (NM_001406681.1); c.1008+129G>C (NM_001406670.1, NM_001318827.2, NM_001406678.1); and 4 more.
Identifiers: ClinVar variation 4756287 (VCV004756287.1).